The following is an entry in ClinVar:

ClinVar aggregate classification (germline): Uncertain significance (1 of 4 stars; one submission).

Conditions:
Tuberous sclerosis 2 (TSC2). Identifiers: Orphanet 805, MedGen C1860707, MONDO:0013199, OMIM 613254.

Submission:

Labcorp Genetics (formerly Invitae), Labcorp
Classification: Uncertain significance for Tuberous sclerosis 2. Last evaluated: 2022-11-23. Review status: criteria provided, single submitter. Criteria: Invitae Variant Classification Sherloc (09022015). Collection method: clinical testing. Allele origin: germline.
Comment: Advanced modeling of protein sequence and biophysical properties (such as structural, functional, and spatial information, amino acid conservation, physicochemical variation, residue mobility, and thermodynamic stability) has been performed at Invitae for this missense variant, however the output from this modeling did not meet the statistical confidence thresholds required to predict the impact of this variant on TSC2 protein function. This sequence change replaces methionine, which is neutral and non-polar, with threonine, which is neutral and polar, at codon 1030 of the TSC2 protein (p.Met1030Thr). This variant is not present in population databases (gnomAD no frequency). This variant has not been reported in the literature in individuals affected with TSC2-related conditions. ClinVar contains an entry for this variant (Variation ID: 574830). In summary, the available evidence is currently insufficient to determine the role of this variant in disease. Therefore, it has been classified as a Variant of Uncertain Significance.

NM_000548.5(TSC2):c.3089T>C (p.Met1030Thr)

Gene: TSC2 (TSC complex subunit 2; plus strand). Cytogenetic location: 16p13.3.
Variant type: single nucleotide variant.
Coding change: c.3089T>C on transcript NM_000548.5 (MANE Select); coding-DNA position 3089, T replaced by C.
Protein change: p.Met1030Thr; replaces methionine 1030 with threonine.
Molecular consequence: missense variant.
Genome position (GRCh38, 1-based): chr16:2,079,154, T>C. VCF-style: chr16-2079154-T-C. GRCh37 (hg19) VCF-style: chr16-2129155-T-C.
Other names: c.2957T>C, p.Met986Thr (NM_001077183.3, NM_001370404.1); c.3089T>C, p.Met1030Thr (NM_001114382.3); c.2849T>C, p.Met950Thr (NM_001318827.2); c.2813T>C, p.Met938Thr (NM_001318829.2); c.2357T>C, p.Met786Thr (NM_001318831.2); c.2990T>C, p.Met997Thr (NM_001318832.2); c.2960T>C, p.Met987Thr (NM_001363528.2, NM_001370405.1, NM_021055.3); short protein forms M1030T, M987T, M986T, M786T, M938T, M950T, M997T.
Identifiers: ClinVar variation 574830 (VCV000574830.8), dbSNP rs1567496821, ClinGen allele CA394284665.